The following is an entry in ClinVar:

NM_000038.6(APC):c.6692T>A (p.Ile2231Asn)

Gene: APC (APC regulator of Wnt signaling pathway; plus strand). Cytogenetic location: 5q22.2.
Variant type: single nucleotide variant.
Coding change: c.6692T>A on transcript NM_000038.6 (MANE Select); coding-DNA position 6692, T replaced by A.
Protein change: p.Ile2231Asn; replaces isoleucine 2231 with asparagine.
Molecular consequence: missense variant. On other transcripts: non-coding transcript variant (2).
Genome position (GRCh38, 1-based): chr5:112,842,286, T>A. VCF-style: chr5-112842286-T-A. GRCh37 (hg19) VCF-style: chr5-112177983-T-A.
Other names: c.6692T>A, p.Ile2231Asn (NM_001127510.3, NM_001354895.2, NM_001407450.1); c.6638T>A, p.Ile2213Asn (NM_001127511.3); c.6722T>A, p.Ile2241Asn (NM_001354897.2); c.6746T>A, p.Ile2249Asn (NM_001354896.2, NM_001407447.1, NM_001407448.1 and 1 more transcripts); c.6617T>A, p.Ile2206Asn (NM_001354898.2); c.6608T>A, p.Ile2203Asn (NM_001354899.2); c.6569T>A, p.Ile2190Asn (NM_001354900.2); c.6515T>A, p.Ile2172Asn (NM_001354901.2, NM_001407453.1); and 11 more; short protein forms I2105N, I2130N, I2224N, I2259N, I1847N, I2071N, I2148N, I2190N.
Identifiers: ClinVar variation 3881778 (VCV003881778.1).

ClinVar aggregate classification (germline): Uncertain significance (1 of 4 stars; one submission).

Conditions:
Hereditary cancer-predisposing syndrome. Also called: Tumor predisposition; Neoplastic Syndromes, Hereditary; Hereditary Cancer Syndrome; Hereditary neoplastic syndrome. Identifiers: Orphanet 140162, MedGen C0027672, MeSH D009386, MONDO:0015356.

Submission:

Ambry Genetics
Classification: Uncertain significance for Hereditary cancer-predisposing syndrome. Last evaluated: 2025-01-13. Review status: criteria provided, single submitter. Criteria: Ambry Variant Classification Scheme 2023. Collection method: clinical testing. Allele origin: germline.
Comment: The p.I2231N variant (also known as c.6692T>A), located in coding exon 15 of the APC gene, results from a T to A substitution at nucleotide position 6692. The isoleucine at codon 2231 is replaced by asparagine, an amino acid with dissimilar properties. This amino acid position is conserved. In addition, in silico predictors for this gene do not accurately predict pathogenicity. Based on the available evidence, the clinical significance of this variant remains unclear.